The following is an entry in ClinVar:

ClinVar aggregate classification (germline): Uncertain significance (1 of 4 stars; one submission).

Conditions:
RASopathy. Also called: Noonan spectrum disorder; rasopathies. Identifiers: Orphanet 536391, MedGen C5555857, MONDO:0021060.

gnomAD v4.1: 5 of 1,604,118 alleles (0.00031%); highest among the groups gnomAD compares: South Asian, 0.0055%; no homozygotes.

Submission:

Labcorp Genetics (formerly Invitae), Labcorp
Classification: Uncertain significance for RASopathy. Last evaluated: 2025-03-23. Review status: criteria provided, single submitter. Criteria: Invitae Variant Classification Sherloc (09022015). Collection method: clinical testing. Allele origin: germline.
Comment: This sequence change replaces proline, which is neutral and non-polar, with alanine, which is neutral and non-polar, at codon 653 of the SOS1 protein (p.Pro653Ala). This variant is not present in population databases (gnomAD no frequency). This variant has not been reported in the literature in individuals affected with SOS1-related conditions. Invitae Evidence Modeling of protein sequence and biophysical properties (such as structural, functional, and spatial information, amino acid conservation, physicochemical variation, residue mobility, and thermodynamic stability) has been performed for this missense variant. However, the output from this modeling did not meet the statistical confidence thresholds required to predict the impact of this variant on SOS1 protein function. In summary, the available evidence is currently insufficient to determine the role of this variant in disease. Therefore, it has been classified as a Variant of Uncertain Significance.

NM_005633.4(SOS1):c.1957C>G (p.Pro653Ala)

Gene: SOS1 (SOS Ras/Rac guanine nucleotide exchange factor 1; minus strand). Cytogenetic location: 2p22.1.
Variant type: single nucleotide variant.
Coding change: c.1957C>G on transcript NM_005633.4 (MANE Select); coding-DNA position 1957, C replaced by G.
Protein change: p.Pro653Ala; replaces proline 653 with alanine.
Molecular consequence: missense variant.
Genome position (GRCh38, 1-based): chr2:39,013,973, G>C on the plus strand (C>G on the coding strand, the complement: SOS1 is on the minus strand). VCF-style: chr2-39013973-G-C. GRCh37 (hg19) VCF-style: chr2-39241114-G-C.
Other names: c.1936C>G, p.Pro646Ala (NM_001382394.1); c.1957C>G, p.Pro653Ala (NM_001382395.1); short protein forms P653A, P646A.
Identifiers: ClinVar variation 4771623 (VCV004771623.1).